The following is an entry in ClinVar:

NM_001366145.2(TRPM3):c.2726G>A (p.Arg909His)

Gene: TRPM3 (transient receptor potential cation channel subfamily M member 3; minus strand). Cytogenetic location: 9q21.12.
Variant type: single nucleotide variant.
Coding change: c.2726G>A on transcript NM_001366145.2 (MANE Select); coding-DNA position 2726, G replaced by A.
Protein change: p.Arg909His; replaces arginine 909 with histidine.
Molecular consequence: missense variant.
Genome position (GRCh38, 1-based): chr9:70,603,412, C>T on the plus strand (G>A on the coding strand, the complement: TRPM3 is on the minus strand). VCF-style: chr9-70603412-C-T. GRCh37 (hg19) VCF-style: chr9-73218328-C-T.
Other names: c.2690G>A, p.Arg897His (NM_001007471.4, NM_001366151.2); c.2696G>A, p.Arg899His (NM_001366141.2, NM_001366143.2, NM_001366149.2); c.2732G>A, p.Arg911His (NM_001366142.2); c.2267G>A, p.Arg756His (NM_001366154.2, NM_024971.7); c.2231G>A, p.Arg744His (NM_020952.6); c.2201G>A, p.Arg734His (NM_206944.5); c.2237G>A, p.Arg746His (NM_206945.5); c.2306G>A, p.Arg769His (NM_206946.5); and 5 more; short protein forms R744H, R746H, R887H, R909H, R734H, R756H, R897H, R924H.
Identifiers: ClinVar variation 3329217 (VCV003329217.3).

ClinVar aggregate classification (germline): Conflicting classifications of pathogenicity. Review status: criteria provided, conflicting classifications (1 of 4 stars). 2 submissions from 2 submitters: Uncertain significance (1); Likely benign (1). Last evaluated 2026-05-01.

Conditions:
Inborn genetic diseases. Identifiers: MedGen C0950123, MeSH D030342.

gnomAD v4.1: 18 of 1,613,982 alleles (0.0011%); highest among the groups gnomAD compares: Admixed American, 0.0067%; no homozygotes.

Submissions (2):

CeGaT Center for Human Genetics Tuebingen
Classification: Likely benign. Last evaluated: 2026-05-01. Review status: criteria provided, single submitter. Criteria: CeGaT Center For Human Genetics Tuebingen Variant Classification Criteria Version 2. Collection method: clinical testing. Allele origin: germline. Affected: yes. Observed: 1 variant allele.
Comment: TRPM3: BS2

Ambry Genetics
Classification: Uncertain significance for Inborn genetic diseases. Last evaluated: 2024-04-01. Review status: criteria provided, single submitter. Criteria: Ambry Variant Classification Scheme 2023. Collection method: clinical testing. Allele origin: germline.